The following is an entry in ClinVar:

ClinVar aggregate classification (germline): Conflicting classifications of pathogenicity. Review status: criteria provided, conflicting classifications (1 of 4 stars). 4 submissions from 4 submitters: Uncertain significance (1); Benign (1); Likely benign (1). 1 of the submissions does not count toward it. Last evaluated 2026-02-02.

Conditions:
OFD1-related disorder. Also called: OFD1-related condition.
Orofaciodigital syndrome I (OFD1). Also called: Oral-Facial-Digital Syndrome Type I; OFDS I; Papillon-Leage and Psaume Syndrome. Identifiers: Orphanet 2750, MedGen C1510460, MONDO:0010702, OMIM 311200.
Joubert syndrome. Also called: JOUBERT-BOLTSHAUSER SYNDROME; Familial aplasia of the vermis. Identifiers: Orphanet 475, MedGen C5979921, MONDO:0018772.

gnomAD v4.1: 57 of 1,193,190 alleles (0.0048%); highest among the groups gnomAD compares: Admixed American, 0.0044%; no homozygotes.

Submissions (4):

GeneDx
Classification: Uncertain significance. Last evaluated: 2026-02-02. Review status: criteria provided, single submitter. Criteria: GeneDx Variant Classification Process June 2021. Collection method: clinical testing. Allele origin: germline.
Comment: In silico analysis is inconclusive as to whether the variant alters gene splicing. In the absence of RNA/functional studies, the actual effect of this sequence change is unknown.; Has not been previously published as pathogenic or benign to our knowledge

Labcorp Genetics (formerly Invitae), Labcorp
Classification: Benign for Orofaciodigital syndrome I; Joubert syndrome. Last evaluated: 2025-09-10. Review status: criteria provided, single submitter. Criteria: Invitae Variant Classification Sherloc (09022015). Collection method: clinical testing. Allele origin: germline.

CeGaT Center for Human Genetics Tuebingen
Classification: Likely benign. Last evaluated: 2024-07-01. Review status: criteria provided, single submitter. Criteria: CeGaT Center For Human Genetics Tuebingen Variant Classification Criteria Version 2. Collection method: clinical testing. Allele origin: germline. Affected: yes. Observed: 1 variant allele.
Comment: OFD1: BS2

PreventionGenetics, part of Exact Sciences
Classification: Likely benign for OFD1-related condition. Last evaluated: 2024-08-21. Review status: no assertion criteria provided. Collection method: clinical testing. Allele origin: germline. Not counted in ClinVar's aggregate classification.
Comment: This variant is classified as likely benign based on ACMG/AMP sequence variant interpretation guidelines (Richards et al. 2015 PMID: 25741868, with internal and published modifications).

NM_003611.3(OFD1):c.3027C>T (p.Asp1009=)

Gene: OFD1 (OFD1 centriole and centriolar satellite protein; plus strand). Cytogenetic location: Xp22.2.
Variant type: single nucleotide variant.
Coding change: c.3027C>T on transcript NM_003611.3 (MANE Select); coding-DNA position 3027, C replaced by T.
Protein change: p.Asp1009=; no amino-acid change (aspartic acid 1009 retained).
Molecular consequence: synonymous variant.
Genome position (GRCh38, 1-based): chrX:13,769,096, C>T. VCF-style: chrX-13769096-C-T. GRCh37 (hg19) VCF-style: chrX-13787215-C-T.
Other names: c.3027C>T (NM_003611.2); c.2907C>T, p.Asp969= (NM_001330209.2); c.2607C>T, p.Asp869= (NM_001330210.2).
Identifiers: ClinVar variation 1603248 (VCV001603248.26), dbSNP rs758646234, ClinGen allele CA10352146.
Genomic context (GRCh38, chrX:13,769,096, plus strand): 5'-CATTTTAATTTTTATCTTTCCCTAATTTAGTTTAACAGGCTTTTCTCATGAAGAACTAGA[C>T]GACTCTTGGTAACCATGTTTGCTGCCCAGCTTCTAACTTACATACCGTGAGAAGTTACGT-3'
Protein context (NP_003602.1, residues 999-1012): SLTGFSHEEL[Asp1009=]DSW